The following is an entry in ClinVar:

ClinVar aggregate classification (germline): Uncertain significance. Review status: criteria provided, multiple submitters, no conflicts (2 of 4 stars). 3 submissions from 3 submitters: Uncertain significance (3). Last evaluated 2025-02-11.

Conditions:
Hereditary cancer-predisposing syndrome. Also called: Hereditary Cancer Syndrome; Neoplastic Syndromes, Hereditary; Tumor predisposition; Hereditary neoplastic syndrome. Identifiers: Orphanet 140162, MedGen C0027672, MeSH D009386, MONDO:0015356.
Breast-ovarian cancer, familial, susceptibility to, 4. Identifiers: Orphanet 145, MedGen C3280345, MONDO:0013669, OMIM 614291.

Allele frequency attached by ClinVar (database versions not stated): gnomAD exomes below 0.00001; ExAC 0.00001.
gnomAD v4.1: 1 of 1,613,414 alleles (0.000062%); highest among the groups gnomAD compares: South Asian, 0.0011%; no homozygotes.

Submissions (3):

Molecular Diagnostics Laboratory, Catalan Institute of Oncology
Classification: Uncertain significance for Hereditary cancer-predisposing syndrome. Last evaluated: 2025-02-11. Review status: criteria provided, single submitter. Criteria: ACMG Guidelines, 2015. Collection method: clinical testing. Allele origin: germline.
Comment: PM2_Supporting, PP3 c.536T>C, located in exon 6 of the RAD51D gene, is predicted to result in the substitution of leucine by proline at codon 179, p.(Leu179Pro). This variant is found in 1/266645 alleles at a frequency of 0.0004% in the gnomAD v2.1.1 database, non-cancer dataset (PM2_supporting). The SpliceAI algorithm predicts no significant impact on splicing and the REVEL meta-predictor score for this variant (0.66) suggests a deleterious effect on protein function according to Pejaver 2022 thresholds (PMID: 36413997) (PP3). To our knowledge, neither relevant clinical data nor well-stablished functional studies have been reported for this variant. It has only been reported twice in ClinVar, as an uncertain significance variant. Based on the currently available information, c.536T>C is classified as an uncertain significance variant according to ACMG guidelines.

Labcorp Genetics (formerly Invitae), Labcorp
Classification: Uncertain significance for Breast-ovarian cancer, familial, susceptibility to, 4. Last evaluated: 2024-08-06. Review status: criteria provided, single submitter. Criteria: Invitae Variant Classification Sherloc (09022015). Collection method: clinical testing. Allele origin: germline.
Comment: This sequence change replaces leucine, which is neutral and non-polar, with proline, which is neutral and non-polar, at codon 179 of the RAD51D protein (p.Leu179Pro). This variant is present in population databases (rs777593941, gnomAD 0.003%). This variant has not been reported in the literature in individuals affected with RAD51D-related conditions. ClinVar contains an entry for this variant (Variation ID: 1747099). Advanced modeling of protein sequence and biophysical properties (such as structural, functional, and spatial information, amino acid conservation, physicochemical variation, residue mobility, and thermodynamic stability) performed at Invitae indicates that this missense variant is expected to disrupt RAD51D protein function with a positive predictive value of 80%. In summary, the available evidence is currently insufficient to determine the role of this variant in disease. Therefore, it has been classified as a Variant of Uncertain Significance.

Ambry Genetics
Classification: Uncertain significance for Hereditary cancer-predisposing syndrome. Last evaluated: 2020-09-18. Review status: criteria provided, single submitter. Criteria: Ambry Variant Classification Scheme 2023. Collection method: clinical testing. Allele origin: germline.
Comment: The p.L179P variant (also known as c.536T>C), located in coding exon 6 of the RAD51D gene, results from a T to C substitution at nucleotide position 536. The leucine at codon 179 is replaced by proline, an amino acid with similar properties. This amino acid position is highly conserved in available vertebrate species. In addition, this alteration is predicted to be deleterious by in silico analysis. Since supporting evidence is limited at this time, the clinical significance of this alteration remains unclear.

NM_002878.4(RAD51D):c.536T>C (p.Leu179Pro)

Genes: RAD51L3-RFFL (RAD51L3-RFFL readthrough; minus strand), RAD51D (RAD51 paralog D; minus strand). Cytogenetic location: 17q12.
Variant type: single nucleotide variant.
Coding change: c.536T>C on transcript NM_002878.4 (MANE Select); coding-DNA position 536, T replaced by C.
Protein change: p.Leu179Pro; replaces leucine 179 with proline.
Molecular consequence: missense variant. On other transcripts: non-coding transcript variant (3).
Genome position (GRCh38, 1-based): chr17:35,106,426, A>G on the plus strand (T>C on the coding strand, the complement: RAD51D is on the minus strand). VCF-style: chr17-35106426-A-G. GRCh37 (hg19) VCF-style: chr17-33433445-A-G.
Other names: c.596T>C, p.Leu199Pro (NM_001142571.2); c.200T>C, p.Leu67Pro (NM_133629.3); short protein forms L179P, L67P, L199P.
Identifiers: ClinVar variation 1747099 (VCV001747099.6), dbSNP rs777593941, ClinGen allele CA8499452.